The following is an entry in ClinVar:

ClinVar aggregate classification (germline): Pathogenic/Likely pathogenic. Review status: criteria provided, multiple submitters, no conflicts (2 of 4 stars). 3 submissions from 3 submitters: Pathogenic (2); Likely pathogenic (1). Last evaluated 2025-08-06.

Conditions:
Smith-Lemli-Opitz syndrome (SLOS). Also called: 7-Dehydrocholesterol reductase deficiency; LETHAL ACRODYSGENITAL SYNDROME; POLYDACTYLY, SEX REVERSAL, RENAL HYPOPLASIA, AND UNILOBAR LUNG; RSH SYNDROME; RUTLEDGE LETHAL MULTIPLE CONGENITAL ANOMALY SYNDROME. Identifiers: Orphanet 818, MedGen C0175694, MONDO:0010035, OMIM 270400.

Submissions (3):

Natera, Inc.
Classification: Likely pathogenic for Smith-Lemli-Opitz syndrome. Last evaluated: 2025-08-06. Review status: criteria provided, single submitter. Criteria: Natera Variant Classification Schema (03/2026). Collection method: clinical testing. Allele origin: germline.
Comment: The c.375C>G variant in DHCR7 is a nonsense variant predicted to introduce a stop codon at amino acid 125. This variant is expected to result in nonsense mediated decay, truncation, or a dysfunctional protein product. This variant is rare in the general population with a frequency below the threshold expected for the associated phenotype(s). Given the available evidence, this variant is classified as Likely Pathogenic.

Myriad Genetics, Inc.
Classification: Pathogenic for Smith-Lemli-Opitz syndrome. Last evaluated: 2025-02-26. Review status: criteria provided, single submitter. Criteria: Myriad Autosomal Dominant, Autosomal Recessive and X-Linked Classification Criteria (2023). Collection method: clinical testing. Allele origin: unknown.
Comment: NM_001360.2(DHCR7):c.375C>G(Y125*) is expected to be pathogenic in the context of Smith-Lemli-Opitz syndrome. This variant is predicted to lead to an abnormal or absent protein product due to the creation of a premature termination codon in DHCR7, a gene where loss-of-function variants are known to be pathogenic. Please note: this variant was assessed in the context of healthy population screening.

Labcorp Genetics (formerly Invitae), Labcorp
Classification: Pathogenic for Smith-Lemli-Opitz syndrome. Last evaluated: 2023-01-22. Review status: criteria provided, single submitter. Criteria: Invitae Variant Classification Sherloc (09022015). Collection method: clinical testing. Allele origin: germline.
Comment: This variant has not been reported in the literature in individuals affected with DHCR7-related conditions. This sequence change creates a premature translational stop signal (p.Tyr125*) in the DHCR7 gene. It is expected to result in an absent or disrupted protein product. Loss-of-function variants in DHCR7 are known to be pathogenic (PMID: 9634533, 10677299). This variant is not present in population databases (gnomAD no frequency). Algorithms developed to predict the effect of sequence changes on RNA splicing suggest that this variant may disrupt the consensus splice site. For these reasons, this variant has been classified as Pathogenic.

Literature cited by the submitters: PubMed 9634533 (cited by Labcorp Genetics (formerly Invitae), Labcorp); PubMed 10677299 (cited by Labcorp Genetics (formerly Invitae), Labcorp).

NM_001360.3(DHCR7):c.375C>G (p.Tyr125Ter)

Gene: DHCR7 (7-dehydrocholesterol reductase; minus strand). Cytogenetic location: 11q13.4.
Variant type: single nucleotide variant.
Coding change: c.375C>G on transcript NM_001360.3 (MANE Select); coding-DNA position 375, C replaced by G.
Protein change: p.Tyr125Ter; replaces tyrosine 125 with a stop codon.
Molecular consequence: nonsense.
Genome position (GRCh38, 1-based): chr11:71,442,300, G>C on the plus strand (C>G on the coding strand, the complement: DHCR7 is on the minus strand). VCF-style: chr11-71442300-G-C. GRCh37 (hg19) VCF-style: chr11-71153346-G-C.
Other names: c.375C>G, p.Tyr125Ter (NM_001163817.2, NM_001425107.1, NM_001425109.1 and 7 more transcripts); c.411C>G, p.Tyr137Ter (NM_001425108.1); c.315C>G, p.Tyr105Ter (NM_001425113.1); c.279C>G, p.Tyr93Ter (NM_001425114.1, NM_001425116.1); c.201C>G, p.Tyr67Ter (NM_001425117.1); short protein forms Y137*, Y67*, Y125*, Y105*, Y93*.
Identifiers: ClinVar variation 2829355 (VCV002829355.5), dbSNP rs779401555, ClinGen allele CA381694936.
Genomic context (GRCh38, chr11:71,442,300, plus strand): 5'-GAGGGTGGAAGGGAGGAGGCTACCTGCAGGAGTCACGGCCCCCTCCTGGATGCCTCCTAC[G>C]TAGCCGGGTAGAAACTTATGGCAGAAGTCAGGGAGAGACGTGTACAGAAGCACCTGAAAC-3'